The following is an entry in ClinVar:

ClinVar aggregate classification (germline): Likely benign. Review status: criteria provided, multiple submitters, no conflicts (2 of 4 stars). 3 submissions from 3 submitters: Likely benign (2). 1 of the submissions does not count toward it. Last evaluated 2026-02-01.

Conditions:
FOCAD-related disorder. Also called: FOCAD-related condition.

Allele frequency attached by ClinVar (database versions not stated): 1000 Genomes Project 0.00100; ExAC 0.00119; TOPMed 0.00144; gnomAD 0.00155; 1000 Genomes Project 30x 0.00156; ESP Exome Variant Server 0.00169.
gnomAD v4.1: 4,284 of 1,611,948 alleles (0.27%); highest among the groups gnomAD compares: Non-Finnish European, 0.35%; 5 homozygotes.

Submissions (3):

CeGaT Center for Human Genetics Tuebingen
Classification: Likely benign. Last evaluated: 2026-02-01. Review status: criteria provided, single submitter. Criteria: CeGaT Center For Human Genetics Tuebingen Variant Classification Criteria Version 2. Collection method: clinical testing. Allele origin: germline. Affected: yes. Observed: 3 variant alleles.
Comment: FOCAD: BP4, BS1

Labcorp Genetics (formerly Invitae), Labcorp
Classification: Likely benign. Last evaluated: 2026-01-18. Review status: criteria provided, single submitter. Criteria: Invitae Variant Classification Sherloc (09022015). Collection method: clinical testing. Allele origin: germline.

PreventionGenetics, part of Exact Sciences
Classification: Likely benign for FOCAD-related condition. Last evaluated: 2020-08-04. Review status: no assertion criteria provided. Collection method: clinical testing. Allele origin: germline. Not counted in ClinVar's aggregate classification.
Comment: This variant is classified as likely benign based on ACMG/AMP sequence variant interpretation guidelines (Richards et al. 2015 PMID: 25741868, with internal and published modifications).

NM_001375567.1(FOCAD):c.5333C>T (p.Ala1778Val)

Gene: FOCAD (focadhesin; plus strand). Cytogenetic location: 9p21.3.
Variant type: single nucleotide variant.
Coding change: c.5333C>T on transcript NM_001375567.1 (MANE Select); coding-DNA position 5333, C replaced by T.
Protein change: p.Ala1778Val; replaces alanine 1778 with valine.
Molecular consequence: missense variant.
Genome position (GRCh38, 1-based): chr9:20,995,556, C>T. VCF-style: chr9-20995556-C-T. GRCh37 (hg19) VCF-style: chr9-20995555-C-T.
Other names: c.5228C>T, p.Ala1743Val (NM_001375568.1, NM_001375570.1); c.5333C>T, p.Ala1778Val (NM_017794.5); c.5333C>T (NM_017794.4); short protein forms A1743V, A1778V.
Identifiers: ClinVar variation 2659126 (VCV002659126.28), dbSNP rs145021526, ClinGen allele CA5008292.
Genomic context (GRCh38, chr9:20,995,556, plus strand): 5'-CACCTTTTTGATCAAAATGACCTTTTCAAATGCAGCCATACCTATATTTTGTCCCCTTAG[C>T]CACCCTGCTGTCCTTGAGAGTTCTCCCAGAGTTTAAGAAGAAAGCTGTATGGACCAGAGC-3'
Protein context (NP_001362496.1, residues 1768-1788): LSAQSRDLLK[Ala1778Val]TLLSLRVLPE